The following is an entry in ClinVar:

NC_000019.10:g.41354391A>G

Genes: B9D2 (B9 domain containing 2; minus strand), TGFB1 (transforming growth factor beta 1; minus strand). Cytogenetic location: 19q13.2.
Variant type: single nucleotide variant.
Genome position: GRCh38 VCF-style: chr19-41354391-A-G. GRCh37 (hg19) VCF-style: chr19-41860296-A-G.
Identifiers: ClinVar variation 39302 (VCV000039302.15), dbSNP rs1800469, ClinGen allele CA14643263.

ClinVar aggregate classification (germline): Benign. Review status: criteria provided, multiple submitters, no conflicts (2 of 4 stars). 3 submissions from 3 submitters: Benign (3). Last evaluated 2026-02-02.

Conditions:
Meckel-Gruber syndrome. Also called: DYSENCEPHALIA SPLANCHNOCYSTICA; GRUBER SYNDROME; Dysencephalia splachnocystica. Identifiers: Orphanet 564, MedGen C0265215, MONDO:0018921.
Joubert syndrome. Also called: CEREBELLOPARENCHYMAL DISORDER IV; JOUBERT-BOLTSHAUSER SYNDROME; Familial aplasia of the vermis. Identifiers: Orphanet 475, MedGen C5979921, MONDO:0018772.

Allele frequency attached by ClinVar (database versions not stated): 1000 Genomes Project 0.63199; 1000 Genomes Project 30x 0.63304; gnomAD 0.69508 and 0.68708; gnomAD exomes 0.65964; TOPMed 0.67678.

Submissions (3):

Labcorp Genetics (formerly Invitae), Labcorp
Classification: Benign for Joubert syndrome; Meckel-Gruber syndrome. Last evaluated: 2026-02-02. Review status: criteria provided, single submitter. Criteria: Invitae Variant Classification Sherloc (09022015). Collection method: clinical testing. Allele origin: germline.

GeneDx
Classification: Benign. Last evaluated: 2020-06-30. Review status: criteria provided, single submitter. Criteria: GeneDx Variant Classification Process June 2021. Collection method: clinical testing. Allele origin: germline. Affected: yes.
Comment: This variant is associated with the following publications: (PMID: 23703862, 15175276, 21761116, 22282866, 16207846, 21679448, 18670143, 19536820, 16896927, 17333284, 9887336, 19614955, 18547814, 20232138, 14597484, 19096005)

Breakthrough Genomics
Classification: Benign. Review status: criteria provided, single submitter. Criteria: ACMG Guidelines, 2015. Collection method: not provided. Allele origin: germline. Inheritance: Autosomal recessive inheritance. Affected: yes.